The following is an entry in ClinVar:

NM_000038.6(APC):c.388A>G (p.Ser130Gly)

Gene: APC (APC regulator of Wnt signaling pathway; plus strand). Cytogenetic location: 5q22.2.
Variant type: single nucleotide variant.
Coding change: c.388A>G on transcript NM_000038.6 (MANE Select); coding-DNA position 388, A replaced by G.
Protein change: p.Ser130Gly; replaces serine 130 with glycine.
Molecular consequence: missense variant. On other transcripts: 5 prime UTR variant (1).
Genome position (GRCh38, 1-based): chr5:112,767,356, A>G. VCF-style: chr5-112767356-A-G. GRCh37 (hg19) VCF-style: chr5-112103053-A-G.
Other names: p.S130G:AGT>GGT; c.388A>G, p.Ser130Gly (NM_001127510.3, NM_001354895.2, NM_001354896.2 and 2 more transcripts); c.418A>G, p.Ser140Gly (NM_001127511.3, NM_001354897.2, NM_001354902.2); c.313A>G, p.Ser105Gly (NM_001354898.2, NM_001354904.2); c.211A>G, p.Ser71Gly (NM_001354900.2, NM_001354901.2, NM_001354905.2); c.-648A>G (NM_001354906.2); short protein forms S130G, S140G, S105G, S71G.
Identifiers: ClinVar variation 41505 (VCV000041505.75), dbSNP rs150973053, ClinGen allele CA008731.
Genomic context (GRCh38, chr5:112,767,356, plus strand): 5'-TGCAGTCCTGTTCCTATGGGTTCATTTCCAAGAAGAGGGTTTGTAAATGGAAGCAGAGAA[A>G]GTACTGGATATTTAGAAGAACTTGAGAAAGAGAGGTAACTTTTCTTCATATAGTAAACAT-3'
Protein context (NP_000029.2, residues 120-140): RRGFVNGSRE[Ser130Gly]TGYLEELEKE

ClinVar aggregate classification (germline): Conflicting classifications of pathogenicity. Review status: criteria provided, conflicting classifications (1 of 4 stars). 19 submissions from 19 submitters: Uncertain significance (3); Benign (4); Likely benign (8). 4 of the submissions do not count toward it. Last evaluated 2026-08-01.

Conditions:
APC-related disorder. Also called: APC-related condition.
APC-Associated Polyposis Disorders.
Hereditary cancer-predisposing syndrome. Also called: Neoplastic Syndromes, Hereditary; Hereditary neoplastic syndrome; Hereditary Cancer Syndrome; Tumor predisposition. Identifiers: Orphanet 140162, MedGen C0027672, MeSH D009386, MONDO:0015356.
Familial multiple polyposis syndrome (FAP). Also called: Classic familial adenomatous polyposis; Familial Adenomatous Polyposis (FAP); Familial adenomatous polyposis; Familial intestinal polyposis; Familial polyposis. Identifiers: Orphanet 733, MedGen C0032580, MONDO:0021055. Disease mechanism: loss of function.
Familial adenomatous polyposis 1 (FAP1). Also called: FAMILIAL ADENOMATOUS POLYPOSIS 1, ATTENUATED; POLYPOSIS, ADENOMATOUS INTESTINAL. Identifiers: MedGen C2713442, MONDO:0021056, OMIM 175100. Disease mechanism: loss of function.

Allele frequency attached by ClinVar (database versions not stated): ExAC 0.00021; gnomAD 0.00010; ESP Exome Variant Server 0.00015; gnomAD exomes 0.00017 and 0.00035; TOPMed 0.00031.
gnomAD v4.1: 312 of 1,614,022 alleles (0.019%); highest among the groups gnomAD compares: Admixed American, 0.005%; no homozygotes.

Submissions (21):

CeGaT Center for Human Genetics Tuebingen
Classification: Likely benign. Last evaluated: 2026-08-01. Review status: criteria provided, single submitter. Criteria: CeGaT Center For Human Genetics Tuebingen Variant Classification Criteria Version 2. Collection method: clinical testing. Allele origin: germline. Affected: yes. Observed: 12 variant alleles.
Comment: APC: BP4, BS2

Labcorp Genetics (formerly Invitae), Labcorp
Classification: Benign for Familial adenomatous polyposis 1. Last evaluated: 2026-01-27. Review status: criteria provided, single submitter. Criteria: Invitae Variant Classification Sherloc (09022015). Collection method: clinical testing. Allele origin: germline.

Mayo Clinic Laboratories, Mayo Clinic
Classification: Likely benign. Last evaluated: 2025-07-10. Review status: criteria provided, single submitter. Criteria: ACMG Guidelines, 2015. Collection method: clinical testing. Allele origin: germline. Observed: 1 variant allele.
Comment: BS1, BP1

Center for Genomic Medicine, Rigshospitalet, Copenhagen University Hospital
Classification: Likely benign. Last evaluated: 2025-03-04. Review status: criteria provided, single submitter. Criteria: ACMG Guidelines, 2015. Collection method: clinical testing. Allele origin: germline.

Blueprint Genetics
Classification: Likely benign. Last evaluated: 2024-11-01. Review status: criteria provided, single submitter. Criteria: ACMG Guidelines, 2015. Collection method: clinical testing. Allele origin: germline.

Quest Diagnostics Nichols Institute San Juan Capistrano
Classification: Benign. Last evaluated: 2023-03-08. Review status: criteria provided, single submitter. Criteria: Quest Diagnostics criteria. Collection method: clinical testing. Allele origin: unknown.

Institute for Biomarker Research, Medical Diagnostic Laboratories, L.L.C.
Classification: Uncertain significance for Hereditary cancer-predisposing syndrome. Last evaluated: 2022-09-27. Review status: criteria provided, single submitter. Criteria: ACMG Guidelines, 2015. Collection method: clinical testing. Allele origin: germline.

Institute for Clinical Genetics, University Hospital TU Dresden, University Hospital TU Dresden
Classification: Uncertain significance. Last evaluated: 2021-11-03. Review status: criteria provided, single submitter. Criteria: ACMG Guidelines, 2015. Collection method: clinical testing. Allele origin: germline.

Women's Health and Genetics/Laboratory Corporation of America, LabCorp
Classification: Benign. Last evaluated: 2021-06-28. Review status: criteria provided, single submitter. Criteria: LabCorp Variant Classification Summary - May 2015. Collection method: clinical testing. Allele origin: germline.
Comment: Variant summary: APC c.388A>G (p.Ser130Gly) results in a non-conservative amino acid change in the encoded protein sequence. Three of five in-silico tools predict a damaging effect of the variant on protein function. The variant allele was found at a frequency of 0.00035 in 253354 control chromosomes. The observed variant frequency is approximately 5 fold of the estimated maximal expected allele frequency for a pathogenic variant in APC causing Familial Adenomatous Polyposis phenotype (7.1e-05), strongly suggesting that the variant is benign. c.388A>G has been reported in the literature in individuals. These reports do not provide unequivocal conclusions about association of the variant with Familial Adenomatous Polyposis. Co-occurrence with a pathogenic variant has been reported (APC c.3815C>G, p.Ser1272X), providing supporting evidence for a benign role. Nine clinical diagnostic laboratories have submitted clinical-significance assessments for this variant to ClinVar after 2014 without evidence for independent evaluation. Multiple laboratories reported the variant with conflicting assessments (benign/likely benign n=7, VUS n=2). Based on the evidence outlined above, the variant was classified as benign.

Sema4
Classification: Benign for Hereditary cancer-predisposing syndrome. Last evaluated: 2020-07-27. Review status: criteria provided, single submitter. Criteria: Sema4 Curation Guidelines. Collection method: curation. Allele origin: germline.

Ambry Genetics
Classification: Likely benign for Hereditary cancer-predisposing syndrome. Last evaluated: 2018-07-16. Review status: criteria provided, single submitter. Criteria: Ambry Variant Classification Scheme 2023. Collection method: clinical testing. Allele origin: germline.

Mendelics
Classification: Likely benign for Familial adenomatous polyposis 1. Last evaluated: 2018-07-02. Review status: criteria provided, single submitter. Criteria: Mendelics Assertion Criteria 2017. Collection method: clinical testing. Allele origin: unknown.

Illumina Laboratory Services, Illumina
Classification: Uncertain significance for APC-Associated Polyposis Disorders. Last evaluated: 2018-01-26. Review status: criteria provided, single submitter. Criteria: ICSL Variant Classification Criteria 13 December 2019. Collection method: clinical testing. Allele origin: germline.

GeneDx
Classification: Likely benign. Last evaluated: 2017-10-23. Review status: criteria provided, single submitter. Criteria: GeneDx Variant Classification (06012015). Collection method: clinical testing. Allele origin: germline. Affected: yes.
Comment: This variant is considered likely benign or benign based on one or more of the following criteria: it is a conservative change, it occurs at a poorly conserved position in the protein, it is predicted to be benign by multiple in silico algorithms, and/or has population frequency not consistent with disease.

Color Diagnostics, LLC DBA Color Health
Classification: Likely benign for Hereditary cancer-predisposing syndrome. Last evaluated: 2016-03-18. Review status: criteria provided, single submitter. Criteria: ACMG Guidelines, 2015. Collection method: clinical testing. Allele origin: germline.

PreventionGenetics, part of Exact Sciences
Classification: Likely benign for APC-related condition. Last evaluated: 2020-08-24. Review status: no assertion criteria provided. Collection method: clinical testing. Allele origin: germline. Not counted in ClinVar's aggregate classification.
Comment: This variant is classified as likely benign based on ACMG/AMP sequence variant interpretation guidelines (Richards et al. 2015 PMID: 25741868, with internal and published modifications).

CSER _CC_NCGL, University of Washington
Classification: Uncertain significance for Familial adenomatous polyposis. Last evaluated: 2016-08-01. Review status: no assertion criteria provided. Collection method: research. Allele origin: germline. Inheritance: Autosomal dominant inheritance. Study: CSER - NEXT Medicine variant annotation. Not counted in ClinVar's aggregate classification.

Biesecker Lab/Clinical Genomics Section, National Institutes of Health
Classification: Uncertain significance. Last evaluated: 2012-07-13. Review status: no assertion criteria provided. Collection method: research. Allele origin: germline. Affected: no. Observed: 1 variant allele. Study: ClinSeq. Not counted in ClinVar's aggregate classification.
ClinVar note: Converted during submission from variant of unknown significance to Uncertain significance.

Department of Pathology and Laboratory Medicine, Sinai Health System
Classification: Likely benign. Review status: no assertion criteria provided. Collection method: clinical testing. Allele origin: unknown. Affected: yes. Study: The Canadian Open Genetics Repository (COGR). Not counted in ClinVar's aggregate classification.
Comment: The APC p.Ser130Gly variant was identified in 5 of 3188 proband chromosomes (frequency: 0.002) from individuals or families with FAP or atherosclerosis and was present in 1 of 1908 control chromosomes (frequency: 0.0005) from healthy individuals (Cleary 2008, De Rosa 2004, Johnston 2012). The variant was also identified in dbSNP (ID: rs150973053) as "With other allele ", ClinVar (classified as benign by Invitae; as likely benign by Ambry Genetics, GeneDx and one clinical laboratory; as uncertain significance by two clinical laboratories), MutDB, and in LOVD 3.0 (2x). The variant was not identified in COGR, Cosmic, UMD-LSDB or Zhejiang University databases. The variant was identified in control databases in 85 of 277202 chromosomes at a frequency of 0.0003 increasing the likelihood this could be a low frequency benign variant (Genome Aggregation Database Feb 27, 2017). The variant was observed in the following populations: Other in 4 of 6468 chromosomes (freq: 0.0006), Latino in 1 of 34420 chromosomes (freq: 0.00003), European in 4 of 126696 chromosomes (freq: 0.00003), Ashkenazi Jewish in 75 of 10150 chromosomes (freq: 0.007), Finnish in 1 of 25792 chromosomes (freq: 0.00004); it was not observed in the African, East Asian, or South Asian populations. The variant was identified with a co-occurring pathogenic APC variant (c.3815C>G, p.Ser1272*), increasing the likelihood that the p.Ser130Gly variant does not have clinical significance (De Rosa 2004). The p.Ser130 residue is not conserved in mammals and four out of five computational analyses (PolyPhen-2, SIFT, AlignGVGD, BLOSUM, MutationTaster) do not suggest a high likelihood of impact to the protein; however, this information is not predictive enough to rule out pathogenicity. The variant occurs outside of the splicing consensus sequence and 3 of 4 in silico or computational prediction software programs (SpliceSiteFinder, MaxEntScan, NNSPLICE, GeneSplicer) predict a greater than 10% difference in splicing. However, this information is not predictive enough to assume pathogenicity. In summary, based on the above information the clinical significance of this variant cannot be determined with certainty at this time although we would lean towards a more benign role for this variant. This variant is classified as likely benign.

Dr. Peter K. Rogan Lab, Western University
No classification provided (evidence only). Condition: Clear cell carcinoma of kidney. Review status: no classification provided. Collection method: in vitro. Allele origin: not applicable. Functional consequence: retained intron. Not counted in ClinVar's aggregate classification.

Dr. Peter K. Rogan Lab, Western University
No classification provided (evidence only). Condition: Acute myeloid leukemia. Review status: no classification provided. Collection method: in vitro. Allele origin: not applicable. Functional consequence: retained intron. Not counted in ClinVar's aggregate classification.

Literature cited by the submitters: PubMed 27153395 (cited by 3 submitters); PubMed 15108288 (cited by Quest Diagnostics Nichols Institute San Juan Capistrano and Women's Health and Genetics/Laboratory Corporation of America, LabCorp); PubMed 18612690 (cited by Quest Diagnostics Nichols Institute San Juan Capistrano and Women's Health and Genetics/Laboratory Corporation of America, LabCorp); PubMed 35264596 (cited by Quest Diagnostics Nichols Institute San Juan Capistrano); PubMed 15133491 (cited by Quest Diagnostics Nichols Institute San Juan Capistrano); PubMed 28502729 (cited by Women's Health and Genetics/Laboratory Corporation of America, LabCorp).